The following is an entry in ClinVar:

ClinVar aggregate classification (germline): Conflicting classifications of pathogenicity. Review status: criteria provided, conflicting classifications (1 of 4 stars). 3 submissions from 3 submitters: Uncertain significance (1); Likely benign (2). Last evaluated 2025-05-01.

Conditions:
FLNB-Related Spectrum Disorders.

Allele frequency attached by ClinVar (database versions not stated): TOPMed below 0.00001; gnomAD 0.00001; ExAC 0.00007; ESP Exome Variant Server 0.00008.
gnomAD v4.1: 33 of 1,614,144 alleles (0.002%); highest among the groups gnomAD compares: South Asian, 0.029%; no homozygotes.

Submissions (3):

CeGaT Center for Human Genetics Tuebingen
Classification: Likely benign. Last evaluated: 2025-05-01. Review status: criteria provided, single submitter. Criteria: CeGaT Center For Human Genetics Tuebingen Variant Classification Criteria Version 2. Collection method: clinical testing. Allele origin: germline. Affected: yes. Observed: 1 variant allele.
Comment: FLNB: BP4, BP7

Labcorp Genetics (formerly Invitae), Labcorp
Classification: Likely benign. Last evaluated: 2024-12-18. Review status: criteria provided, single submitter. Criteria: Invitae Variant Classification Sherloc (09022015). Collection method: clinical testing. Allele origin: germline.

Illumina Laboratory Services, Illumina
Classification: Uncertain significance for FLNB-Related Spectrum Disorders. Last evaluated: 2018-01-13. Review status: criteria provided, single submitter. Criteria: ICSL Variant Classification Criteria 13 December 2019. Collection method: clinical testing. Allele origin: germline.

NM_001457.4(FLNB):c.7182C>T (p.Leu2394=)

Genes: FLNB (filamin B; plus strand), FLNB-AS1 (FLNB antisense RNA 1; minus strand). Cytogenetic location: 3p14.3.
Variant type: single nucleotide variant.
Coding change: c.7182C>T on transcript NM_001457.4 (MANE Select); coding-DNA position 7182, C replaced by T.
Protein change: p.Leu2394=; no amino-acid change (leucine 2394 retained).
Molecular consequence: synonymous variant. On other transcripts: non-coding transcript variant (1).
Genome position (GRCh38, 1-based): chr3:58,163,314, C>T. VCF-style: chr3-58163314-C-T. GRCh37 (hg19) VCF-style: chr3-58149041-C-T.
Other names: c.7275C>T, p.Leu2425= (NM_001164317.2); c.7149C>T, p.Leu2383= (NM_001164318.2); c.7110C>T, p.Leu2370= (NM_001164319.2).
Identifiers: ClinVar variation 903337 (VCV000903337.16), dbSNP rs113513946, ClinGen allele CA2469617.
Genomic context (GRCh38, chr3:58,163,314, plus strand): 5'-CGTTGGGGAGCCTGGACAAGCGGGGAACCCTGCCCTGGTGTCCGCCTATGGCACGGGACT[C>T]GAAGGGGGCACCACAGGTAACCCACTCTTCTGCTTCTTGAAGCCTTAACTGAACCAGCTC-3'
Protein context (NP_001448.2, residues 2384-2404): PALVSAYGTG[Leu2394=]EGGTTGIQSE